The following is an entry in ClinVar:

NC_000002.11:g.(?_233164740)_(233199219_?)dup

Gene: DIS3L2 (DIS3 like 3'-5' exoribonuclease 2; plus strand). Cytogenetic location: 2q37.1.
Variant type: Duplication.
Identifiers: ClinVar variation 1376911 (VCV001376911.4).

ClinVar aggregate classification (germline): Uncertain significance (1 of 4 stars; one submission).

Conditions:
Perlman syndrome (PRLMNS). Identifiers: Orphanet 2849, MedGen C0796113, MONDO:0009965, OMIM 267000.

Submission:

Labcorp Genetics (formerly Invitae), Labcorp
Classification: Uncertain significance for Perlman syndrome. Last evaluated: 2021-08-10. Review status: criteria provided, single submitter. Criteria: Invitae Variant Classification Sherloc (09022015). Collection method: clinical testing. Allele origin: germline.
Comment: This variant results in a copy number gain of the genomic region encompassing exon(s) 14-18 of the DIS3L2 gene. While the exact position of this variant cannot be determined from the data, sub-genic copy number gains are generally in tandem (PMID: 25640679). This variant is predicted to be in-frame, and likely preserves the integrity of the reading frame. This variant has not been reported in the literature in individuals affected with DIS3L2-related conditions. Experimental studies and prediction algorithms are not available or were not evaluated, and the functional significance of this variant is currently unknown. In summary, the available evidence is currently insufficient to determine the role of this variant in disease. Therefore, it has been classified as a Variant of Uncertain Significance.

Literature cited by the submitters: PubMed 25640679.